The following is an entry in ClinVar:

NM_000540.3(RYR1):c.7268T>A (p.Met2423Lys)

Gene: RYR1 (ryanodine receptor 1; plus strand). Cytogenetic location: 19q13.2.
Variant type: single nucleotide variant.
Coding change: c.7268T>A on transcript NM_000540.3 (MANE Select); coding-DNA position 7268, T replaced by A.
Protein change: p.Met2423Lys; replaces methionine 2423 with lysine.
Molecular consequence: missense variant.
Genome position (GRCh38, 1-based): chr19:38,499,961, T>A. VCF-style: chr19-38499961-T-A. GRCh37 (hg19) VCF-style: chr19-38990601-T-A.
Other names: c.7268T>A, p.Met2423Lys (NM_001042723.2); short protein forms M2423K.
Identifiers: ClinVar variation 12989 (VCV000012989.58), dbSNP rs118192174, ClinGen allele CA024732.

ClinVar aggregate classification (germline): Conflicting classifications of pathogenicity. Review status: criteria provided, conflicting classifications (1 of 4 stars). 16 submissions from 15 submitters: Pathogenic (7); Likely pathogenic (3); Uncertain significance (1). 5 of the submissions do not count toward it. Last evaluated 2026-02-28.

Conditions:
Congenital myopathy with fiber type disproportion. Also called: Congenital fiber-type disproportion; Congenital fiber-type disproportion myopathy. Identifiers: Orphanet 2020, MedGen C0546264, MONDO:0009711. Inheritance: all.
Central core myopathy (CMYO1A). Also called: CONGENITAL MYOPATHY 1A, AUTOSOMAL DOMINANT, WITH SUSCEPTIBILITY TO MALIGNANT HYPERTHERMIA; Central core disease; Myopathy, central fibrillar. Identifiers: Orphanet 597, MedGen C5830701, MONDO:0007294, OMIM 117000.
King Denborough syndrome (KDS). Identifiers: MedGen C1840365, MONDO:0020485, OMIM 619542.
Congenital multicore myopathy with external ophthalmoplegia (CMYO1B). Also called: Minicore myopathy with external ophthalmoplegia; Congenital myopathy 1B, autosomal recessive; Minicore myopathy; MULTICORE MYOPATHY; MULTIMINICORE DISEASE WITH EXTERNAL OPHTHALMOPLEGIA. Identifiers: Orphanet 598, Orphanet 98905, MedGen C1850674, MONDO:0009712, OMIM 255320, HP:0003789.
Malignant hyperthermia, susceptibility to, 1 (MHS1). Also called: RYR1-Related Malignant Hyperthermia Susceptibility; Malignant hyperthermia suceptibility 1; Anesthesia related hyperthermia; Malignant hyperpyrexia; Fulminating hyperpyrexia; Pharmacogenic myopathy. Identifiers: Orphanet 423, MedGen C2930980, MONDO:0007783, OMIM 145600.
RYR1-related disorder. Also called: RYR1-related disorders; RYR1-related condition. Identifiers: MedGen CN239331.
Neuromuscular disease. Also called: Neuromuscular disorder; Neuromyopathy. Identifiers: Orphanet 68381, MedGen C0027868, MeSH D009468, MONDO:0019056.
Lower limb amyotrophy. Identifiers: MedGen C4024921, HP:0007210.
Clubfoot. Also called: Club foot; CLUBFOOT, CONGENITAL, WITH OR WITHOUT DEFICIENCY OF LONG BONES AND/OR MIRROR-IMAGE POLYDACTYLY; congenital talipes equinovarus; Clubfeet; Talipes equinovarus. Identifiers: Orphanet 199315, MedGen C0009081, MONDO:0007342, OMIM 119800, HP:0001762.
EMG abnormality. Identifiers: MedGen C0476403, HP:0003457.

Allele frequency attached by ClinVar (database versions not stated): TOPMed 0.00001; gnomAD 0.00001 and 0.00002; ExAC 0.00004; gnomAD exomes 0.00002.
gnomAD v4.1: 66 of 1,612,200 alleles (0.0041%); highest among the groups gnomAD compares: South Asian, 0.029%; no homozygotes.

Submissions 1 to 11 of 16:

PreventionGenetics, part of Exact Sciences
Classification: Pathogenic for RYR1-related condition. Last evaluated: 2026-02-28. Review status: criteria provided, single submitter. Criteria: ACMG Guidelines, 2015. Collection method: clinical testing. Allele origin: germline.
Comment: The RYR1 c.7268T>A variant is predicted to result in the amino acid substitution p.Met2423Lys. This variant was reported in multiple individuals with RYR1-associated myopathies (Supp Table S1B, Klein et al. 2012. PubMed ID: 22473935; Garibaldi et al. 2019. PubMed ID: 30611313; Monnier et al. 2008. PubMed ID: 18253926; Zhou et al. 2007. PubMed ID: 17483490; Klein et al. 2011. PubMed ID: 21911697). This variant was also reported to segregate with disease in a family with minicore myopathy with ophthlamoplegia (Jungbluth et al. 2005. PubMed ID: 16380615). This variant is reported in 0.016% of alleles in individuals of South Asian descent in gnomAD. This variant is interpreted as pathogenic.

Labcorp Genetics (formerly Invitae), Labcorp
Classification: Pathogenic for RYR1-related disorder. Last evaluated: 2025-08-04. Review status: criteria provided, single submitter. Criteria: Invitae Variant Classification Sherloc (09022015). Collection method: clinical testing. Allele origin: germline.
Comment: This sequence change replaces methionine, which is neutral and non-polar, with lysine, which is basic and polar, at codon 2423 of the RYR1 protein (p.Met2423Lys). This variant is present in population databases (rs118192174, gnomAD 0.02%). This missense change has been observed in individual(s) with autosomal recessive congenital myopathy (PMID: 17033962, 18253926, 21911697, 30611313). In at least one individual the data is consistent with being in trans (on the opposite chromosome) from a pathogenic variant. It has also been observed to segregate with disease in related individuals. ClinVar contains an entry for this variant (Variation ID: 12989). Invitae Evidence Modeling of protein sequence and biophysical properties (such as structural, functional, and spatial information, amino acid conservation, physicochemical variation, residue mobility, and thermodynamic stability) indicates that this missense variant is expected to disrupt RYR1 protein function with a positive predictive value of 80%. For these reasons, this variant has been classified as Pathogenic.

Genomic Medicine Center of Excellence, King Faisal Specialist Hospital and Research Centre
Classification: Likely pathogenic for Central core myopathy. Last evaluated: 2024-12-18. Review status: criteria provided, single submitter. Criteria: ACMG Guidelines, 2015. Collection method: clinical testing. Allele origin: germline.

Color Diagnostics, LLC DBA Color Health
Classification: Uncertain significance for Malignant hyperthermia, susceptibility to, 1. Last evaluated: 2024-03-28. Review status: criteria provided, single submitter. Criteria: ACMG Guidelines, 2015. Collection method: clinical testing. Allele origin: germline.
Comment: This missense variant replaces methionine with lysine at codon 2423 of the RYR1 protein. Computational prediction suggests that this variant may have deleterious impact on protein structure and function. To our knowledge, functional studies have not been reported for this variant. This variant has not been reported in individuals affected with autosomal dominant malignant hyperthermia in the literature, although it is associated with other phenotype(s) (ClinVar variation ID: 12989). This variant has been identified in 5/251410 chromosomes in the general population by the Genome Aggregation Database (gnomAD). Due to insufficient evidence, this variant is classified as a Variant of Uncertain Significance for autosomal dominant malignant hyperthermia.

Laboratory for Molecular Medicine, Mass General Brigham Personalized Medicine
Classification: Likely pathogenic for Neuromuscular disease. Last evaluated: 2023-11-21. Review status: criteria provided, single submitter. Criteria: ACMG Guidelines, 2015. Collection method: clinical testing. Allele origin: germline. Inheritance: Autosomal recessive inheritance.
Comment: The p.Met2423Lys variant in RYR1 has been reported as compound heterozygous in at least 3 individuals with minicore myopathy or Dusty core disease and segregated with disease in 2 affected relatives from 1 family (Jungbluth 2005 PMID: 16380615, Zhou 2006 PMID: 17033962, Zhou 2007 PMID: 17483490, Monnier 2008 PMID: 18253926, Klein 2012 PMID: 21911697, Garibaldi 2019 PMID: 30611313). The p.Met2423Lys variant has also been identified in 0.02% (1/4672) of South Asian chromosomes by gnomAD (v.3.1.2). Please note that for diseases with clinical variability, reduced penetrance, or recessive inheritance, pathogenic variants may be present at a low frequency in the general population. Computational prediction tools and conservation analysis suggest that the p.Met2423Lys variant may impact the protein, though this information is not predictive enough to determine pathogenicity. In summary, although additional studies are required to fully establish its clinical significance, the p.Met2423Lys variant is likely pathogenic for minicore myopathy in an autosomal recessive manner based upon reports of this variant in trans with pathogenic variants and segregation studies. ACMG/AMP criteria applied: PM3_Strong, PP1, PP3.

Revvity Omics, Revvity
Classification: Pathogenic. Last evaluated: 2022-10-12. Review status: criteria provided, single submitter. Criteria: ACMG Guidelines, 2015. Collection method: clinical testing. Allele origin: germline.

Dasa
Classification: Pathogenic for RYR1-related disorder. Last evaluated: 2022-06-10. Review status: criteria provided, single submitter. Criteria: ACMG Guidelines, 2015. Collection method: clinical testing. Allele origin: germline. Affected: yes. Observed: 1 variant allele.
Comment: The c.7268T>A;p.(Met2423Lys) missense change has been observed in affected individual(s) and ClinVar contains an entry for this variant (ClinVar ID: 12989; OMIM: 180901.0027; PMID: 17483490; 17365175; 17033962; 16380615) - PS4. The variant is located in a mutational hot spot and/or critical and well-established functional domain (central region) - PM1. The variant is present at low allele frequencies population databases (rs118192174– gnomAD 0.0001987%; ABraOM no frequency) -PM2_supporting. The variant co-segregated with disease in multiple affected family members (PMID: 17033962; PMID: 16380615) - PP1_strong. Multiple lines of computational evidence support a deleterious effect on the gene or gene product - PP3. In summary, the currently available evidence indicates that the variant is Pathogenic

Fulgent Genetics
Classification: Likely pathogenic for Central core myopathy; Malignant hyperthermia, susceptibility to, 1; Congenital myopathy 4A, autosomal dominant; Congenital multicore myopathy with external ophthalmoplegia; King Denborough syndrome. Last evaluated: 2021-10-28. Review status: criteria provided, single submitter. Criteria: ACMG Guidelines, 2015. Collection method: clinical testing. Allele origin: unknown.

CeGaT Center for Human Genetics Tuebingen
Classification: Pathogenic. Last evaluated: 2021-06-01. Review status: criteria provided, single submitter. Criteria: CeGaT Center For Human Genetics Tuebingen Variant Classification Criteria Version 2. Collection method: clinical testing. Allele origin: germline. Affected: yes. Observed: 1 variant allele.

Centre for Mendelian Genomics, University Medical Centre Ljubljana
Classification: Pathogenic for Congenital myopathy 4A, autosomal dominant. Last evaluated: 2016-01-01. Review status: criteria provided, single submitter. Criteria: ACMG Guidelines, 2015. Collection method: clinical testing. Allele origin: unknown. Affected: yes.
Comment: This variant was classified as: Pathogenic.

Juno Genomics, Hangzhou Juno Genomics, Inc
Classification: Pathogenic for Congenital multicore myopathy with external ophthalmoplegia. Review status: criteria provided, single submitter. Criteria: ACMG Guidelines, 2015. Collection method: clinical testing. Allele origin: germline.
Comment: Absent from controls (or at extremely low frequency if recessive) in Genome Aggregation Database.;Multiple lines of computational evidence support a deleterious effect on the gene or gene product.;Missense variant in a gene that has a low rate of benign missense variation.;For recessive disorders, detected in trans with a pathogenic variant.